The following is an entry in ClinVar:

NM_000374.5(UROD):c.173C>T (p.Thr58Met)

Gene: UROD (uroporphyrinogen decarboxylase; plus strand). Cytogenetic location: 1p34.1.
Variant type: single nucleotide variant.
Coding change: c.173C>T on transcript NM_000374.5 (MANE Select); coding-DNA position 173, C replaced by T.
Protein change: p.Thr58Met; replaces threonine 58 with methionine.
Molecular consequence: missense variant. On other transcripts: non-coding transcript variant (3).
Genome position (GRCh38, 1-based): chr1:45,013,175, C>T. VCF-style: chr1-45013175-C-T. GRCh37 (hg19) VCF-style: chr1-45478847-C-T.
Other names: short protein forms T58M.
Identifiers: ClinVar variation 2579838 (VCV002579838.2), dbSNP rs1287179807, ClinGen allele CA340116701.

ClinVar aggregate classification (germline): Uncertain significance. Review status: criteria provided, multiple submitters, no conflicts (2 of 4 stars). 2 submissions from 2 submitters: Uncertain significance (2). Last evaluated 2026-04-16.

Conditions:
Inborn genetic diseases. Identifiers: MedGen C0950123, MeSH D030342.

Allele frequency attached by ClinVar (database versions not stated): TOPMed below 0.00001; gnomAD exomes below 0.00001.
gnomAD v4.1: 1 of 1,614,180 alleles (0.000062%); highest among the groups gnomAD compares: East Asian, 0.0022%; no homozygotes.

Submissions (2):

Ambry Genetics
Classification: Uncertain significance for Inborn genetic diseases. Last evaluated: 2026-04-16. Review status: criteria provided, single submitter. Criteria: Ambry Variant Classification Scheme 2023. Collection method: clinical testing. Allele origin: germline.

GeneDx
Classification: Uncertain significance. Last evaluated: 2023-03-16. Review status: criteria provided, single submitter. Criteria: GeneDx Variant Classification Process June 2021. Collection method: clinical testing. Allele origin: germline. Affected: yes.
Comment: Not observed at significant frequency in large population cohorts (gnomAD); In silico analysis supports that this missense variant does not alter protein structure/function; Has not been previously published as pathogenic or benign to our knowledge